The following is an entry in ClinVar:

NM_000368.5(TSC1):c.738-2A>G

Gene: TSC1 (TSC complex subunit 1; minus strand). Cytogenetic location: 9q34.13.
Variant type: single nucleotide variant.
Coding change: c.738-2A>G on transcript NM_000368.5 (MANE Select); the canonical splice acceptor site of the intron before coding-DNA position 738, A replaced by G.
Molecular consequence: splice acceptor variant.
Genome position (GRCh38, 1-based): chr9:132,912,459, T>C on the plus strand (A>G on the coding strand, the complement: TSC1 is on the minus strand). VCF-style: chr9-132912459-T-C. GRCh37 (hg19) VCF-style: chr9-135787846-T-C.
Other names: c.375-2A>G (NM_001406620.1, NM_001406618.1, NM_001406625.1 and 10 more transcripts); c.585-2A>G (NM_001406613.1, NM_001406612.1, NM_001406610.1 and 2 more transcripts); c.-214-2A>G (NM_001406627.1, NM_001406628.1, NM_001406626.1); c.-356-2A>G (NM_001406629.1, NM_001406630.1); c.738-2A>G (NM_001406603.1, NM_001406609.1, NM_001406597.1 and 16 more transcripts).
Identifiers: ClinVar variation 49097 (VCV000049097.12), dbSNP rs118203440, ClinGen allele CA008143.

ClinVar aggregate classification (germline): Pathogenic. Review status: criteria provided, multiple submitters, no conflicts (2 of 4 stars). 4 submissions from 4 submitters: Pathogenic (3). 1 of the submissions does not count toward it. Last evaluated 2025-05-22.

Conditions:
Tuberous sclerosis syndrome (TSC). Also called: Tuberous Sclerosis Complex; Tuberous sclerosis. Identifiers: Orphanet 805, MedGen C0041341, MONDO:0001734.
Tuberous sclerosis 1 (TSC1). Identifiers: Orphanet 805, MedGen C1854465, MONDO:0008612, OMIM 191100.

Submissions (4):

Cambridge Genomics Laboratory, East Genomic Laboratory Hub, NHS Genomic Medicine Service
Classification: Pathogenic for Tuberous sclerosis. Last evaluated: 2025-05-22. Review status: criteria provided, single submitter. Criteria: ACGS Best Practice Guidelines for Variant Classification in Rare Disease 2020. Collection method: clinical testing. Allele origin: germline. Affected: yes.
Comment: PVS1,PM2

Labcorp Genetics (formerly Invitae), Labcorp
Classification: Pathogenic for Tuberous sclerosis 1. Last evaluated: 2024-07-19. Review status: criteria provided, single submitter. Criteria: Invitae Variant Classification Sherloc (09022015). Collection method: clinical testing. Allele origin: germline.
Comment: This sequence change affects an acceptor splice site in intron 8 of the TSC1 gene. It is expected to disrupt RNA splicing. Variants that disrupt the donor or acceptor splice site typically lead to a loss of protein function (PMID: 16199547), and loss-of-function variants in TSC1 are known to be pathogenic (PMID: 10227394, 17304050). This variant is not present in population databases (gnomAD no frequency). Disruption of this splice site has been observed in individuals with tuberous sclerosis complex (PMID: 19419980, 29432982). ClinVar contains an entry for this variant (Variation ID: 49097). Algorithms developed to predict the effect of sequence changes on RNA splicing suggest that this variant may disrupt the consensus splice site. For these reasons, this variant has been classified as Pathogenic.

3billion
Classification: Pathogenic for Tuberous sclerosis 1. Last evaluated: 2024-03-08. Review status: criteria provided, single submitter. Criteria: ACMG Guidelines, 2015. Collection method: clinical testing. Allele origin: germline. Affected: yes.
Comment: The variant is not observed in the gnomAD v2.1.1 dataset. Predicted Consequence/Location: Canonical splice site: predicted to alter splicing and result in a loss or disruption of normal protein function. Multiple pathogenic loss-of-function variants are reported downstream of the variant. In silico tools predict the variant to alter splicing and produce an abnormal transcript [Splice AI: 0.99 (spliceogenicity >=0.2, non-spliceogenicity <0.1)]. The variant has been reported to be associated with TSC1 related disorder (ClinVar ID: VCV000049097). Therefore, this variant is classified as Pathogenic according to the recommendation of ACMG/AMP guideline.

Tuberous sclerosis database (TSC1)
No classification provided. Condition: TSC. Review status: no classification provided. Criteria: Tuberous Sclerosis Database Assertion Criteria 2015. Collection method: curation. Allele origin: germline. Affected: yes. Not counted in ClinVar's aggregate classification.

Literature cited by the submitters: PubMed 16199547 (cited by Labcorp Genetics (formerly Invitae), Labcorp); PubMed 10227394 (cited by Labcorp Genetics (formerly Invitae), Labcorp); PubMed 17304050 (cited by Labcorp Genetics (formerly Invitae), Labcorp); PubMed 19419980 (cited by Labcorp Genetics (formerly Invitae), Labcorp); PubMed 29432982 (cited by Labcorp Genetics (formerly Invitae), Labcorp).